The following is an entry in ClinVar:

NM_002519.3(NPAT):c.4049C>T (p.Thr1350Ile)

Gene: NPAT (nuclear protein, coactivator of histone transcription; minus strand). Cytogenetic location: 11q22.3.
Variant type: single nucleotide variant.
Coding change: c.4049C>T on transcript NM_002519.3 (MANE Select); coding-DNA position 4049, C replaced by T.
Protein change: p.Thr1350Ile; replaces threonine 1350 with isoleucine.
Molecular consequence: missense variant.
Genome position (GRCh38, 1-based): chr11:108,161,037, G>A on the plus strand (C>T on the coding strand, the complement: NPAT is on the minus strand). VCF-style: chr11-108161037-G-A. GRCh37 (hg19) VCF-style: chr11-108031764-G-A.
Other names: c.4070C>T, p.Thr1357Ile (NM_001321307.1); short protein forms T1350I, T1357I.
Identifiers: ClinVar variation 3222614 (VCV003222614.1), dbSNP rs2496693504, ClinGen allele CA382509481.

ClinVar aggregate classification (germline): Uncertain significance (1 of 4 stars; one submission).

Submission:

Ambry Genetics
Classification: Uncertain significance. Last evaluated: 2024-02-22. Review status: criteria provided, single submitter. Criteria: Ambry Variant Classification Scheme 2023. Collection method: clinical testing. Allele origin: germline.
Comment: The p.T1350I variant (also known as c.4049C>T), located in coding exon 17 of the NPAT gene, results from a C to T substitution at nucleotide position 4049. The threonine at codon 1350 is replaced by isoleucine, an amino acid with similar properties. This amino acid position is conserved. In addition, this alteration is predicted to be tolerated by in silico analysis. Based on the available evidence, the clinical significance of this alteration remains unclear.